The following is an entry in ClinVar:

NM_006885.4(ZFHX3):c.6717G>A (p.Trp2239Ter)

Genes: ZFHX3 (zinc finger homeobox 3; minus strand), ZFHX3-AS1 (ZFHX3 antisense RNA 1; plus strand). Cytogenetic location: 16q22.2.
Variant type: single nucleotide variant.
Coding change: c.6717G>A on transcript NM_006885.4 (MANE Select); coding-DNA position 6717, G replaced by A.
Protein change: p.Trp2239Ter; replaces tryptophan 2239 with a stop codon.
Molecular consequence: nonsense.
Genome position (GRCh38, 1-based): chr16:72,795,965, C>T on the plus strand (G>A on the coding strand, the complement: ZFHX3 is on the minus strand). VCF-style: chr16-72795965-C-T. GRCh37 (hg19) VCF-style: chr16-72829864-C-T.
Other names: c.3975G>A, p.Trp1325Ter (NM_001164766.2); c.6717G>A, p.Trp2239Ter (NM_001386735.1); short protein forms W1325*, W2239*.
Identifiers: ClinVar variation 4855756 (VCV004855756.1).

ClinVar aggregate classification (germline): Likely pathogenic (1 of 4 stars; one submission).

Conditions:
ZFHX3-related disorder. Also called: ZFHX3-related condition.

Submission:

3billion
Classification: Likely pathogenic for ZFHX3-related disorder. Last evaluated: 2026-01-08. Review status: criteria provided, single submitter. Criteria: ACMG Guidelines, 2015. Collection method: clinical testing. Allele origin: germline. Affected: yes.
Comment: The variant is not observed in the gnomAD v4.1.0 dataset. Predicted Consequence/Location: Stop-gained (nonsense): predicted to result in a loss or disruption of normal protein function through nonsense-mediated decay (NMD) or protein truncation. Multiple pathogenic nonsense or frameshift variants are reported (PMID: 38412861) Therefore, this variant is classified as Likely pathogenic according to the recommendation of ACMG/AMP guideline.